The following is an entry in ClinVar:

NM_012470.4(TNPO3):c.1579T>C (p.Cys527Arg)

Gene: TNPO3 (transportin 3; minus strand). Cytogenetic location: 7q32.1.
Variant type: single nucleotide variant.
Coding change: c.1579T>C on transcript NM_012470.4 (MANE Select); coding-DNA position 1579, T replaced by C.
Protein change: p.Cys527Arg; replaces cysteine 527 with arginine.
Molecular consequence: missense variant. On other transcripts: non-coding transcript variant (18), intron variant (2).
Genome position (GRCh38, 1-based): chr7:128,986,840, A>G on the plus strand (T>C on the coding strand, the complement: TNPO3 is on the minus strand). VCF-style: chr7-128986840-A-G. GRCh37 (hg19) VCF-style: chr7-128626894-A-G.
Other names: c.1681T>C, p.Cys561Arg (NM_001382216.1); c.1660T>C, p.Cys554Arg (NM_001382217.1); c.1579T>C, p.Cys527Arg (NM_001382218.1, NM_001382220.1); c.1471T>C, p.Cys491Arg (NM_001382219.1); c.1435T>C, p.Cys479Arg (NM_001382221.1); c.1432T>C, p.Cys478Arg (NM_001382222.1); c.1499-2581T>C (NM_001382223.1, NM_001191028.3); short protein forms C491R, C527R, C554R, C561R, C478R, C479R.
Identifiers: ClinVar variation 1511876 (VCV001511876.8), dbSNP rs2150339499, ClinGen allele CA369226374.
Genomic context (GRCh38, chr7:128,986,840, plus strand): 5'-AGCGGGCAATCTCCAGGAGTCCATTAAAGTGCTGAGCCATGTGATCTCGGCAGACAGAGC[A>G]AATGTTATGAATGGCTTTGGCTGCAGCAGAAGCCAGGGGCTTTTCACACAGGCCTTTCAT-3'
Protein context (NP_036602.1, residues 517-537): SAAAKAIHNI[Cys527Arg]SVCRDHMAQH

ClinVar aggregate classification (germline): Uncertain significance (1 of 4 stars; one submission).

Conditions:
Autosomal dominant limb-girdle muscular dystrophy type 1F (LGMDD2). Also called: Limb-girdle muscular dystrophy, type 1F; MUSCULAR DYSTROPHY, LIMB-GIRDLE, AUTOSOMAL DOMINANT 2. Identifiers: Orphanet 55595, MedGen C1842062, MONDO:0012034, OMIM 608423.

Submission:

Labcorp Genetics (formerly Invitae), Labcorp
Classification: Uncertain significance for Autosomal dominant limb-girdle muscular dystrophy type 1F. Last evaluated: 2021-02-19. Review status: criteria provided, single submitter. Criteria: Invitae Variant Classification Sherloc (09022015). Collection method: clinical testing. Allele origin: germline.
Comment: In summary, the available evidence is currently insufficient to determine the role of this variant in disease. Therefore, it has been classified as a Variant of Uncertain Significance. Algorithms developed to predict the effect of missense changes on protein structure and function are either unavailable or do not agree on the potential impact of this missense change (SIFT: "Deleterious"; PolyPhen-2: "Probably Damaging"; Align-GVGD: "Class C0"). This variant has not been reported in the literature in individuals with TNPO3-related conditions. This variant is not present in population databases (ExAC no frequency). This sequence change replaces cysteine with arginine at codon 527 of the TNPO3 protein (p.Cys527Arg). The cysteine residue is highly conserved and there is a large physicochemical difference between cysteine and arginine.